The following is an entry in ClinVar:

ClinVar aggregate classification (germline): Uncertain significance. Review status: criteria provided, multiple submitters, no conflicts (2 of 4 stars). 3 submissions from 3 submitters: Uncertain significance (3). Last evaluated 2026-07-31.

Conditions:
Inborn genetic diseases. Identifiers: MedGen C0950123, MeSH D030342.
Amyotrophic lateral sclerosis type 21. Also called: MYOPATHY, DISTAL, 2; VOCAL CORD AND PHARYNGEAL DYSFUNCTION WITH DISTAL MYOPATHY. Identifiers: Orphanet 600, Orphanet 803, MedGen C3807521, MONDO:0011632, OMIM 606070.
MATR3-related disorder. Also called: MATR3-related condition.

Allele frequency attached by ClinVar (database versions not stated): gnomAD exomes below 0.00001; ExAC 0.00001; gnomAD 0.00001.
gnomAD v4.1: 6 of 1,614,014 alleles (0.00037%); highest among the groups gnomAD compares: Non-Finnish European, 0.00051%; no homozygotes.

Submissions (3):

PreventionGenetics, part of Exact Sciences
Classification: Uncertain significance for MATR3-related condition. Last evaluated: 2026-07-31. Review status: criteria provided, single submitter. Criteria: ACMG Guidelines, 2015. Collection method: clinical testing. Allele origin: germline.
Comment: The MATR3 c.322G>T variant is predicted to result in the amino acid substitution p.Ala108Ser. To our knowledge, this variant has not been reported in the literature. This variant is reported in 0.0015% of alleles in individuals of European (Non-Finnish) descent in gnomAD. At this time, the clinical significance of this variant is uncertain due to the absence of conclusive functional and genetic evidence.

Ambry Genetics
Classification: Uncertain significance for Inborn genetic diseases. Last evaluated: 2024-08-27. Review status: criteria provided, single submitter. Criteria: Ambry Variant Classification Scheme 2023. Collection method: clinical testing. Allele origin: germline.

Labcorp Genetics (formerly Invitae), Labcorp
Classification: Uncertain significance for Amyotrophic lateral sclerosis type 21. Last evaluated: 2024-08-22. Review status: criteria provided, single submitter. Criteria: Invitae Variant Classification Sherloc (09022015). Collection method: clinical testing. Allele origin: germline.
Comment: This sequence change replaces alanine, which is neutral and non-polar, with serine, which is neutral and polar, at codon 108 of the MATR3 protein (p.Ala108Ser). This variant is present in population databases (rs745440760, gnomAD 0.002%). This variant has not been reported in the literature in individuals affected with MATR3-related conditions. ClinVar contains an entry for this variant (Variation ID: 541136). Invitae Evidence Modeling of protein sequence and biophysical properties (such as structural, functional, and spatial information, amino acid conservation, physicochemical variation, residue mobility, and thermodynamic stability) has been performed for this missense variant. However, the output from this modeling did not meet the statistical confidence thresholds required to predict the impact of this variant on MATR3 protein function. In summary, the available evidence is currently insufficient to determine the role of this variant in disease. Therefore, it has been classified as a Variant of Uncertain Significance.

NM_018834.6(MATR3):c.322G>T (p.Ala108Ser)

Gene: MATR3 (matrin 3; plus strand). Cytogenetic location: 5q31.2.
Variant type: single nucleotide variant.
Coding change: c.322G>T on transcript NM_018834.6 (MANE Select); coding-DNA position 322, G replaced by T.
Protein change: p.Ala108Ser; replaces alanine 108 with serine.
Molecular consequence: missense variant. On other transcripts: intron variant (2).
Genome position (GRCh38, 1-based): chr5:139,307,737, G>T. VCF-style: chr5-139307737-G-T. GRCh37 (hg19) VCF-style: chr5-138643426-G-T.
Other names: c.322G>T, p.Ala108Ser (NM_001194954.2, NM_001194955.2, NM_199189.3); c.-102-6938G>T (NM_001282278.2); c.49-6938G>T (NM_001194956.2); short protein forms A108S.
Identifiers: ClinVar variation 541136 (VCV000541136.12), dbSNP rs745440760, ClinGen allele CA3432897.